The following is an entry in ClinVar:

NM_002334.4(LRP4):c.5378A>C (p.Lys1793Thr)

Genes: LRP4 (LDL receptor related protein 4; minus strand), LRP4-AS1 (LRP4 antisense RNA 1; plus strand). Cytogenetic location: 11p11.2.
Variant type: single nucleotide variant.
Coding change: c.5378A>C on transcript NM_002334.4 (MANE Select); coding-DNA position 5378, A replaced by C.
Protein change: p.Lys1793Thr; replaces lysine 1793 with threonine.
Molecular consequence: missense variant.
Genome position (GRCh38, 1-based): chr11:46,862,613, T>G on the plus strand (A>C on the coding strand, the complement: LRP4 is on the minus strand). VCF-style: chr11-46862613-T-G. GRCh37 (hg19) VCF-style: chr11-46884164-T-G.
Other names: short protein forms K1793T.
Identifiers: ClinVar variation 651771 (VCV000651771.7), dbSNP rs778676466, ClinGen allele CA5969052.

ClinVar aggregate classification (germline): Uncertain significance. Review status: criteria provided, multiple submitters, no conflicts (2 of 4 stars). 3 submissions from 3 submitters: Uncertain significance (3). Last evaluated 2025-04-13.

Conditions:
Inborn genetic diseases. Identifiers: MedGen C0950123, MeSH D030342.
Sclerosteosis 2 (SOST2). Identifiers: Orphanet 3152, MedGen C3280402, MONDO:0013679, OMIM 614305.
Cenani-Lenz syndactyly syndrome. Also called: SYNDACTYLY, TYPE VII; CENANI SYNDACTYLISM. Identifiers: Orphanet 3258, MedGen C1859309, MONDO:0008931, OMIM 212780.
Congenital myasthenic syndrome 17. Identifiers: Orphanet 590, MedGen C4225377, MONDO:0014578, OMIM 616304.

Allele frequency attached by ClinVar (database versions not stated): gnomAD exomes 0.00002 and 0.00001; TOPMed 0.00002; ExAC 0.00002.
gnomAD v4.1: 11 of 1,614,160 alleles (0.00068%); highest among the groups gnomAD compares: Admixed American, 0.015%; no homozygotes.

Submissions (3):

Ambry Genetics
Classification: Uncertain significance for Inborn genetic diseases. Last evaluated: 2025-04-13. Review status: criteria provided, single submitter. Criteria: Ambry Variant Classification Scheme 2023. Collection method: clinical testing. Allele origin: germline.

Labcorp Genetics (formerly Invitae), Labcorp
Classification: Uncertain significance for Cenani-Lenz syndactyly syndrome; Sclerosteosis 2; Congenital myasthenic syndrome 17. Last evaluated: 2024-12-09. Review status: criteria provided, single submitter. Criteria: Invitae Variant Classification Sherloc (09022015). Collection method: clinical testing. Allele origin: germline.
Comment: This sequence change replaces lysine, which is basic and polar, with threonine, which is neutral and polar, at codon 1793 of the LRP4 protein (p.Lys1793Thr). This variant is present in population databases (rs778676466, gnomAD 0.02%). This variant has not been reported in the literature in individuals affected with LRP4-related conditions. ClinVar contains an entry for this variant (Variation ID: 651771). An algorithm developed to predict the effect of missense changes on protein structure and function (PolyPhen-2) suggests that this variant¬¨‚Ä†is likely to be tolerated. In summary, the available evidence is currently insufficient to determine the role of this variant in disease. Therefore, it has been classified as a Variant of Uncertain Significance.

Fulgent Genetics
Classification: Uncertain significance for Cenani-Lenz syndactyly syndrome; Sclerosteosis 2; Congenital myasthenic syndrome 17. Last evaluated: 2021-11-13. Review status: criteria provided, single submitter. Criteria: ACMG Guidelines, 2015. Collection method: clinical testing. Allele origin: unknown.